The following is an entry in ClinVar:

NM_032776.3(JMJD1C):c.3265C>T (p.Pro1089Ser)

Gene: JMJD1C (jumonji domain containing 1C; minus strand). Cytogenetic location: 10q21.3.
Variant type: single nucleotide variant.
Coding change: c.3265C>T on transcript NM_032776.3 (MANE Select); coding-DNA position 3265, C replaced by T.
Protein change: p.Pro1089Ser; replaces proline 1089 with serine.
Molecular consequence: missense variant. On other transcripts: non-coding transcript variant (1).
Genome position (GRCh38, 1-based): chr10:63,208,404, G>A on the plus strand (C>T on the coding strand, the complement: JMJD1C is on the minus strand). VCF-style: chr10-63208404-G-A. GRCh37 (hg19) VCF-style: chr10-64968164-G-A.
Other names: c.2719C>T, p.Pro907Ser (NM_001282948.2, NM_001318154.2); c.2401C>T, p.Pro801Ser (NM_001318153.2); c.3151C>T, p.Pro1051Ser (NM_001322252.2); c.2608C>T, p.Pro870Ser (NM_001322254.2, NM_001322258.2); c.3265C>T (NM_032776.1); short protein forms P1089S, P1051S, P907S, P870S, P801S.
Identifiers: ClinVar variation 529712 (VCV000529712.11), dbSNP rs200160728, ClinGen allele CA5518462.
Genomic context (GRCh38, chr10:63,208,404, plus strand): 5'-ATGATCTTGGTGGTTCATTGACCACACTATTAGACAATGTAGTGAAATAGTTACTTTGGG[G>A]TAAACTCTGAGGCACTGAGTGCTTCATTTTATAAAGATCTGATACTGAGCGTTCTACATC-3'
Protein context (NP_116165.1, residues 1079-1099): KMKHSVPQSL[Pro1089Ser]QSNYFTTLSN

ClinVar aggregate classification (germline): Uncertain significance. Review status: criteria provided, multiple submitters, no conflicts (2 of 4 stars). 2 submissions from 2 submitters: Uncertain significance (2). Last evaluated 2025-10-26.

Conditions:
Early Myoclonic Encephalopathy. Identifiers: MedGen C0270855.

Allele frequency attached by ClinVar (database versions not stated): ESP Exome Variant Server 0.00059; gnomAD 0.00030 and 0.00026; TOPMed 0.00030; ExAC 0.00031; gnomAD exomes 0.00028.
gnomAD v4.1: 810 of 1,613,880 alleles (0.05%); highest among the groups gnomAD compares: Non-Finnish European, 0.063%; no homozygotes.

Submissions (2):

Labcorp Genetics (formerly Invitae), Labcorp
Classification: Uncertain significance for Early Myoclonic Encephalopathy. Last evaluated: 2025-10-26. Review status: criteria provided, single submitter. Criteria: Invitae Variant Classification Sherloc (09022015). Collection method: clinical testing. Allele origin: germline.
Comment: This sequence change replaces proline, which is neutral and non-polar, with serine, which is neutral and polar, at codon 1089 of the JMJD1C protein (p.Pro1089Ser). This variant is present in population databases (rs200160728, gnomAD 0.06%), and has an allele count higher than expected for a pathogenic variant. This variant has not been reported in the literature in individuals affected with JMJD1C-related conditions. ClinVar contains an entry for this variant (Variation ID: 529712). Invitae Evidence Modeling of protein sequence and biophysical properties (such as structural, functional, and spatial information, amino acid conservation, physicochemical variation, residue mobility, and thermodynamic stability) has been performed for this missense variant. However, the output from this modeling did not meet the statistical confidence thresholds required to predict the impact of this variant on JMJD1C protein function. In summary, the available evidence is currently insufficient to determine the role of this variant in disease. Therefore, it has been classified as a Variant of Uncertain Significance.

Ambry Genetics
Classification: Uncertain significance. Last evaluated: 2021-09-30. Review status: criteria provided, single submitter. Criteria: Ambry Variant Classification Scheme 2023. Collection method: clinical testing. Allele origin: germline.